The following is an entry in ClinVar:

ClinVar aggregate classification (germline): Uncertain significance (1 of 4 stars; one submission).

Submission:

Labcorp Genetics (formerly Invitae), Labcorp
Classification: Uncertain significance. Last evaluated: 2022-10-19. Review status: criteria provided, single submitter. Criteria: Invitae Variant Classification Sherloc (09022015). Collection method: clinical testing. Allele origin: germline.
Comment: This sequence change replaces glycine, which is neutral and non-polar, with aspartic acid, which is acidic and polar, at codon 958 of the MYO7A protein (p.Gly958Asp). This variant is not present in population databases (gnomAD no frequency). This variant has not been reported in the literature in individuals affected with MYO7A-related conditions. Advanced modeling of protein sequence and biophysical properties (such as structural, functional, and spatial information, amino acid conservation, physicochemical variation, residue mobility, and thermodynamic stability) performed at Invitae indicates that this missense variant is not expected to disrupt MYO7A protein function. Algorithms developed to predict the effect of sequence changes on RNA splicing suggest that this variant may disrupt the consensus splice site. In summary, the available evidence is currently insufficient to determine the role of this variant in disease. Therefore, it has been classified as a Variant of Uncertain Significance.

NM_000260.4(MYO7A):c.2873G>A (p.Gly958Asp)

Gene: MYO7A (myosin VIIA; plus strand). Cytogenetic location: 11q13.5.
Variant type: single nucleotide variant.
Coding change: c.2873G>A on transcript NM_000260.4 (MANE Select); coding-DNA position 2873, G replaced by A.
Protein change: p.Gly958Asp; replaces glycine 958 with aspartic acid.
Molecular consequence: missense variant.
Genome position (GRCh38, 1-based): chr11:77,181,558, G>A. VCF-style: chr11-77181558-G-A. GRCh37 (hg19) VCF-style: chr11-76892604-G-A.
Other names: c.2873G>A, p.Gly958Asp (NM_001127180.2); c.2840G>A, p.Gly947Asp (NM_001369365.1); short protein forms G947D, G958D.
Identifiers: ClinVar variation 1721907 (VCV001721907.3), dbSNP rs2497206200, ClinGen allele CA381943256.
Genomic context (GRCh38, chr11:77,181,558, plus strand): 5'-ATCACTCAGACATGGTGGACAAGATGTTTGGCTTCCTGGGGACTTCAGGTGGCCTGCCAG[G>A]CCAGGAGGGCCAGGCACCTAGTGGCTTTGAGGTACCAGGCTAGGGACAGGGGCTCCAGAG-3'
Protein context (NP_000251.3, residues 948-968): GFLGTSGGLP[Gly958Asp]QEGQAPSGFE